The following is an entry in ClinVar:

ClinVar aggregate classification (germline): Likely benign. Review status: criteria provided, multiple submitters, no conflicts (2 of 4 stars). 2 submissions from 2 submitters: Likely benign (2). Last evaluated 2025-01-14.

Conditions:
Familial cancer of breast. Also called: hereditary breast carcinoma; Hereditary breast cancer; BREAST CANCER, FAMILIAL. Identifiers: Orphanet 227535, MedGen C0346153, MONDO:0016419, OMIM 114480. Disease mechanism: loss of function.

Submissions (2):

Myriad Genetics, Inc.
Classification: Likely benign for Familial cancer of breast. Last evaluated: 2025-01-14. Review status: criteria provided, single submitter. Criteria: Myriad Autosomal Dominant, Autosomal Recessive and X-Linked Classification Criteria (2023). Collection method: clinical testing. Allele origin: unknown.
Comment: This variant is considered likely benign. This variant is intronic and is not expected to impact mRNA splicing.

Labcorp Genetics (formerly Invitae), Labcorp
Classification: Likely benign for Familial cancer of breast. Last evaluated: 2024-07-22. Review status: criteria provided, single submitter. Criteria: Invitae Variant Classification Sherloc (09022015). Collection method: clinical testing. Allele origin: germline.

NM_024675.4(PALB2):c.1685-5T>C

Gene: PALB2 (partner and localizer of BRCA2; minus strand). Cytogenetic location: 16p12.2.
Variant type: single nucleotide variant.
Coding change: c.1685-5T>C on transcript NM_024675.4 (MANE Select); 5 bases into the intron before coding-DNA position 1685, T replaced by C.
Molecular consequence: intron variant.
Genome position (GRCh38, 1-based): chr16:23,630,474, A>G on the plus strand (T>C on the coding strand, the complement: PALB2 is on the minus strand). VCF-style: chr16-23630474-A-G. GRCh37 (hg19) VCF-style: chr16-23641795-A-G.
Other names: c.800-5T>C (NM_001407308.1, NM_001407306.1, NM_001407307.1 and 5 more transcripts); c.49-1199T>C (NM_001407314.1); c.-104-5T>C (NM_001407313.1, NM_001407312.1); c.1625-5T>C (NM_001407296.1); c.1685-5T>C (NM_001407297.1, NM_001407302.1, NM_001407298.1 and 3 more transcripts).
Identifiers: ClinVar variation 3667623 (VCV003667623.3).
Genomic context (GRCh38, chr16:23,630,474, plus strand): 5'-ATAAGCACTATTACTCCAAGAAAGGGAATCCTCTTTTTGATGACGACTTTTCTTCCCTAA[A>G]GAAGAAAAATAAGTCACAAAATAGTAACAAAACCCAACAAAACAGACAATCTGTTTCACT-3'